The following is an entry in ClinVar:

ClinVar aggregate classification (germline): Uncertain significance (1 of 4 stars; one submission).

Conditions:
Inborn genetic diseases. Identifiers: MedGen C0950123, MeSH D030342.

gnomAD v4.1: 5 of 1,613,882 alleles (0.00031%); highest among the groups gnomAD compares: Admixed American, 0.0017%; no homozygotes.

Submission:

Ambry Genetics
Classification: Uncertain significance for Inborn genetic diseases. Last evaluated: 2025-02-13. Review status: criteria provided, single submitter. Criteria: Ambry Variant Classification Scheme 2023. Collection method: clinical testing. Allele origin: germline.
Comment: The p.G11R variant (also known as c.31G>A) is located in coding exon 2 of the CAV1 gene. The glycine at codon 11 is replaced by arginine, an amino acid with dissimilar properties. This change occurs in the first base pair of coding exon 2. This amino acid position is conserved. In addition, the in silico prediction for this alteration is inconclusive. Based on the available evidence, the clinical significance of this variant remains unclear.

NM_001753.5(CAV1):c.31G>A (p.Gly11Arg)

Gene: CAV1 (caveolin 1; plus strand). Cytogenetic location: 7q31.2.
Variant type: single nucleotide variant.
Coding change: c.31G>A on transcript NM_001753.5 (MANE Select); coding-DNA position 31, G replaced by A.
Protein change: p.Gly11Arg; replaces glycine 11 with arginine.
Molecular consequence: missense variant. On other transcripts: 5 prime UTR variant (3).
Genome position (GRCh38, 1-based): chr7:116,526,525, G>A. VCF-style: chr7-116526525-G-A. GRCh37 (hg19) VCF-style: chr7-116166579-G-A.
Other names: c.-63G>A (NM_001172895.1, NM_001172896.2, NM_001172897.2); short protein forms G11R.
Identifiers: ClinVar variation 3827736 (VCV003827736.1).